The following is an entry in ClinVar:

NM_000173.7(GP1BA):c.355A>G (p.Thr119Ala)

Gene: GP1BA (glycoprotein Ib platelet subunit alpha; plus strand). Cytogenetic location: 17p13.2.
Variant type: single nucleotide variant.
Coding change: c.355A>G on transcript NM_000173.7 (MANE Select); coding-DNA position 355, A replaced by G.
Protein change: p.Thr119Ala; replaces threonine 119 with alanine.
Molecular consequence: missense variant.
Genome position (GRCh38, 1-based): chr17:4,932,959, A>G. VCF-style: chr17-4932959-A-G. GRCh37 (hg19) VCF-style: chr17-4836254-A-G.
Other names: short protein forms T119A.
Identifiers: ClinVar variation 3350519 (VCV003350519.2).

ClinVar aggregate classification (germline): Likely benign. Review status: criteria provided, single submitter (1 of 4 stars). 2 submissions from 2 submitters: Likely benign (1). 1 of the submissions does not count toward it. Last evaluated 2025-07-21.

Conditions:
GP1BA-related disorder. Also called: GP1BA-related condition.

Submissions (2):

Women's Health and Genetics/Laboratory Corporation of America, LabCorp
Classification: Likely benign. Last evaluated: 2025-07-21. Review status: criteria provided, single submitter. Criteria: LabCorp Variant Classification Summary - May 2015. Collection method: clinical testing. Allele origin: germline.
Comment: Variant summary: GP1BA c.355A>G (p.Thr119Ala) results in a non-conservative amino acid change in the encoded protein sequence. Algorithms developed to predict the effect of missense changes on protein structure and function are either unavailable or do not agree on the potential impact of this missense change. The variant allele was found at a frequency of 0.00011 in 249210 control chromosomes, predominantly at a frequency of 0.0014 within the East Asian subpopulation in the gnomAD database. The observed variant frequency within East Asian control individuals in the gnomAD database is approximately 2 fold of the estimated maximal expected allele frequency for a pathogenic variant in GP1BA causing Bernard Soulier Syndrome phenotype (0.00059). To our knowledge, no occurrence of c.355A>G in individuals affected with Bernard Soulier Syndrome and no experimental evidence demonstrating its impact on protein function have been reported. ClinVar contains an entry for this variant (Variation ID: 3350519). Based on the evidence outlined above, the variant was classified as likely benign.

PreventionGenetics, part of Exact Sciences
Classification: Uncertain significance for GP1BA-related condition. Last evaluated: 2024-03-15. Review status: no assertion criteria provided. Collection method: clinical testing. Allele origin: germline. Not counted in ClinVar's aggregate classification.
Comment: The GP1BA c.355A>G variant is predicted to result in the amino acid substitution p.Thr119Ala. To our knowledge, this variant has not been reported in the literature. This variant is reported in 0.14% of alleles in individuals of East Asian descent in gnomAD. Although we suspect that this variant may be benign, at this time, the clinical significance of this variant is uncertain due to the absence of conclusive functional and genetic evidence.